The following is an entry in ClinVar:

ClinVar aggregate classification (germline): Pathogenic/Likely pathogenic. Review status: criteria provided, multiple submitters, no conflicts (2 of 4 stars). 2 submissions from 2 submitters: Pathogenic (1); Likely pathogenic (1). Last evaluated 2025-12-26.

Conditions:
Cystic fibrosis (CF). Also called: MUCOVISCIDOSIS. Identifiers: Orphanet 586, MedGen C0010674, MONDO:0009061, OMIM 219700. Disease mechanism: loss of function.
CFTR-related disorder (CFTR-RD). Also called: CFTR-related disorders; CFTR-related condition. Identifiers: MedGen C5924204, MONDO:7770004.

Submissions (2):

Labcorp Genetics (formerly Invitae), Labcorp
Classification: Pathogenic for Cystic fibrosis. Last evaluated: 2025-12-26. Review status: criteria provided, single submitter. Criteria: Invitae Variant Classification Sherloc (09022015). Collection method: clinical testing. Allele origin: germline.
Comment: This sequence change creates a premature translational stop signal (p.Gln781Phefs*20) in the CFTR gene. It is expected to result in an absent or disrupted protein product. Loss-of-function variants in CFTR are known to be pathogenic (PMID: 1695717, 7691345, 9725922). This variant is not present in population databases (gnomAD no frequency). This variant has not been reported in the literature in individuals affected with CFTR-related conditions. ClinVar contains an entry for this variant (Variation ID: 3638713). For these reasons, this variant has been classified as Pathogenic.

Natera, Inc.
Classification: Likely pathogenic for CFTR-related disorders. Last evaluated: 2025-10-13. Review status: criteria provided, single submitter. Criteria: Natera Variant Classification Schema (03/2026). Collection method: clinical testing. Allele origin: germline.
Comment: The c.2340_2346del variant in CFTR is a frameshift variant predicted to shift the reading frame beginning at codon 781 and leads to a stop codon 20 codons downstream. This variant is expected to result in nonsense mediated decay, truncation, or a dysfunctional protein product. This variant is rare in the general population with a frequency below the threshold expected for the associated phenotype(s). Given the available evidence, this variant is classified as Likely Pathogenic.

Literature cited by the submitters: PubMed 1695717 (cited by Labcorp Genetics (formerly Invitae), Labcorp); PubMed 7691345 (cited by Labcorp Genetics (formerly Invitae), Labcorp); PubMed 9725922 (cited by Labcorp Genetics (formerly Invitae), Labcorp).

NM_000492.4(CFTR):c.2340_2346del (p.Gln781fs)

Gene: CFTR (CF transmembrane conductance regulator; plus strand). Cytogenetic location: 7q31.2.
Variant type: Deletion.
Coding change: c.2340_2346del on transcript NM_000492.4 (MANE Select); coding-DNA positions 2340 to 2346, 7 bases deleted (TCAGAAC; older notation c.2340_2346delTCAGAAC).
Protein change: p.Gln781fs; shifts the reading frame from glutamine 781.
Molecular consequence: frameshift variant.
Genome position (GRCh38, 1-based): chr7:117,592,507-117,592,513, TCAGAAC deleted. VCF-style (leftmost placement, unchanged base first): chr7-117592506-GTCAGAAC-G. GRCh37 (hg19) VCF-style: chr7-117232560-GTCAGAAC-G.
Other names: c.2340_2346delTCAGAAC, p.Gln781Phefs (NM_000492.3); c.2340_2346del (NM_000492.3); short protein forms Q781fs.
Identifiers: ClinVar variation 3638713 (VCV003638713.3).
Genomic context (GRCh38, chr7:117,592,506, plus strand): 5'-CGCTTCAGGCACGAAGGAGGCAGTCTGTCCTGAACCTGATGACACACTCAGTTAACCAAG[GTCAGAAC>G]ATTCACCGAAAGACAACAGCATCCACACGAAAAGTGTCACTGGCCCCTCAGGCAAACTTG-3'